The following is an entry in ClinVar:

NM_017934.7(PHIP):c.4207-10T>C

Genes: IRAK1BP1 (interleukin 1 receptor associated kinase 1 binding protein 1; plus strand), PHIP (PHIP subunit of CUL4-Ring ligase complex; minus strand). Cytogenetic location: 6q14.1.
Variant type: single nucleotide variant.
Coding change: c.4207-10T>C on transcript NM_017934.7 (MANE Select); 10 bases into the intron before coding-DNA position 4207, T replaced by C.
Molecular consequence: intron variant.
Genome position (GRCh38, 1-based): chr6:78,946,884, A>G on the plus strand (T>C on the coding strand, the complement: PHIP is on the minus strand). VCF-style: chr6-78946884-A-G. GRCh37 (hg19) VCF-style: chr6-79656601-A-G.
Other names: c.4207-10T>C (NM_017934.6).
Identifiers: ClinVar variation 4893185 (VCV004893185.2).

ClinVar aggregate classification (germline): Likely benign. Review status: criteria provided, multiple submitters, no conflicts (2 of 4 stars). 2 submissions from 2 submitters: Likely benign (2). Last evaluated 2025-08-11.

Conditions:
PHIP-related disorder. Also called: PHIP-related disorders; PHIP-related condition.

gnomAD v4.1: 54 of 1,254,586 alleles (0.0043%); highest among the groups gnomAD compares: East Asian, 0.0061%; no homozygotes.

Submissions (2):

PreventionGenetics, part of Exact Sciences
Classification: Likely benign for PHIP-related condition. Last evaluated: 2025-08-11. Review status: criteria provided, single submitter. Criteria: ACMG Guidelines, 2015. Collection method: clinical testing. Allele origin: germline.
Comment: This variant is classified as likely benign based on ACMG/AMP sequence variant interpretation guidelines (Richards et al. 2015 PMID: 25741868, with internal and published modifications).

Blueprint Genetics
Classification: Likely benign. Last evaluated: 2024-06-06. Review status: criteria provided, single submitter. Criteria: ACMG Guidelines, 2015. Collection method: clinical testing. Allele origin: germline.